The following is an entry in ClinVar:

ClinVar aggregate classification (germline): Uncertain significance. Review status: criteria provided, single submitter (1 of 4 stars). 2 submissions from 2 submitters: Uncertain significance (1). 1 of the submissions does not count toward it. Last evaluated 2025-11-23.

Conditions:
IL6ST-related disorder. Also called: IL6ST-related condition.

Allele frequency attached by ClinVar (database versions not stated): ExAC 0.00002; gnomAD 0.00003; TOPMed 0.00003; ESP Exome Variant Server 0.00008.
gnomAD v4.1: 30 of 1,614,042 alleles (0.0019%); highest among the groups gnomAD compares: African/African-American, 0.0027%; no homozygotes.

Submissions (2):

Labcorp Genetics (formerly Invitae), Labcorp
Classification: Uncertain significance. Last evaluated: 2025-11-23. Review status: criteria provided, single submitter. Criteria: Invitae Variant Classification Sherloc (09022015). Collection method: clinical testing. Allele origin: germline.
Comment: This sequence change replaces glycine, which is neutral and non-polar, with serine, which is neutral and polar, at codon 805 of the IL6ST protein (p.Gly805Ser). This variant is present in population databases (rs146696658, gnomAD 0.003%). This variant has not been reported in the literature in individuals affected with IL6ST-related conditions. ClinVar contains an entry for this variant (Variation ID: 1899945). An algorithm developed to predict the effect of missense changes on protein structure and function outputs the following: PolyPhen-2: "Benign". The serine amino acid residue is found in multiple mammalian species, which suggests that this missense change does not adversely affect protein function. In summary, the available evidence is currently insufficient to determine the role of this variant in disease. Therefore, it has been classified as a Variant of Uncertain Significance.

PreventionGenetics, part of Exact Sciences
Classification: Uncertain significance for IL6ST-related condition. Last evaluated: 2024-01-16. Review status: no assertion criteria provided. Collection method: clinical testing. Allele origin: germline. Not counted in ClinVar's aggregate classification.
Comment: The IL6ST c.2413G>A variant is predicted to result in the amino acid substitution p.Gly805Ser. To our knowledge, this variant has not been reported in the literature. This variant is reported in 0.0040% of alleles in individuals of African descent in gnomAD. At this time, the clinical significance of this variant is uncertain due to the absence of conclusive functional and genetic evidence.

NM_002184.4(IL6ST):c.2413G>A (p.Gly805Ser)

Gene: IL6ST (interleukin 6 cytokine family signal transducer; minus strand). Cytogenetic location: 5q11.2.
Variant type: single nucleotide variant.
Coding change: c.2413G>A on transcript NM_002184.4 (MANE Select); coding-DNA position 2413, G replaced by A.
Protein change: p.Gly805Ser; replaces glycine 805 with serine.
Molecular consequence: missense variant. On other transcripts: 3 prime UTR variant (1), non-coding transcript variant (2).
Genome position (GRCh38, 1-based): chr5:55,941,426, C>T on the plus strand (G>A on the coding strand, the complement: IL6ST is on the minus strand). VCF-style: chr5-55941426-C-T. GRCh37 (hg19) VCF-style: chr5-55237254-C-T.
Other names: c.2413G>A (NM_002184.3); c.2230G>A, p.Gly744Ser (NM_001190981.2); c.2311G>A, p.Gly771Ser (NM_001364275.2); c.2203G>A, p.Gly735Ser (NM_001364276.2); c.1546G>A, p.Gly516Ser (NM_001364277.2); c.1510G>A, p.Gly504Ser (NM_001364278.2); c.1417G>A, p.Gly473Ser (NM_001364279.2); c.*1340G>A (NM_175767.3); short protein forms G735S, G516S, G771S, G504S, G805S, G473S, G744S.
Identifiers: ClinVar variation 1899945 (VCV001899945.7), dbSNP rs146696658, ClinGen allele CA3271158.
Genomic context (GRCh38, chr5:55,941,426, plus strand): 5'-TGGATTCATGCTGACTGCAGTTCTGTTTGAAGTACTGTTGCCTGGGCAAAATACCATCAC[C>T]GCCATCTACATGATCTACTAATTGTAGATCTTCTGGCCGCTCCTCTGAATCTAACAAGGG-3'
Protein context (NP_002175.2, residues 795-815): DLQLVDHVDG[Gly805Ser]DGILPRQQYF